The following is an entry in ClinVar:

ClinVar aggregate classification (germline): Pathogenic (1 of 4 stars; one submission).

Allele frequency attached by ClinVar (database versions not stated): TOPMed below 0.00001; gnomAD exomes 0.00001.

Submission:

GeneDx
Classification: Pathogenic. Last evaluated: 2018-02-28. Review status: criteria provided, single submitter. Criteria: GeneDx Variant Classification (06012015). Collection method: clinical testing. Allele origin: germline. Affected: yes.
Comment: The c.1096delA variant in the ALOXE3 gene has not been reported previously as a pathogenic variant nor as a benign variant, to our knowledge. This variant causes a frameshift starting with codon Isoleucine 366, changes this amino acid to a Serine residue, and creates a premature Stop codon at position 82 of the new reading frame, denoted p.Ile366SerfsX82. The c.1096delA variant is predicted to cause loss of normal protein function either through protein truncation or nonsense-mediated mRNA decay. This variant is not observed in large population cohorts (Lek et al., 2016). We interpret c.1096delA as a pathogenic variant.

NM_021628.3(ALOXE3):c.1096del (p.Ile366fs)

Genes: ALOXE3 (arachidonate epidermal lipoxygenase 3; minus strand), LOC130060198 (ATAC-STARR-seq lymphoblastoid silent region 8151; plus strand). Cytogenetic location: 17p13.1.
Variant type: Deletion.
Coding change: c.1096del on transcript NM_021628.3 (MANE Select); coding-DNA position 1096, one base deleted (A; older notation c.1096delA).
Protein change: p.Ile366fs; shifts the reading frame from isoleucine 366.
Molecular consequence: frameshift variant.
Genome position (GRCh38, 1-based): chr17:8,110,390, T deleted on the plus strand (A on the coding strand, the reverse complement: ALOXE3 is on the minus strand). VCF-style (leftmost placement, unchanged base first): chr17-8110389-AT-A. GRCh37 (hg19) VCF-style: chr17-8013707-AT-A.
Other names: c.1492del, p.Ile498fs (NM_001165960.1); c.1093del, p.Ile365fs (NM_001369446.1); short protein forms I365fs, I498fs, I366fs.
Identifiers: ClinVar variation 817655 (VCV000817655.1), dbSNP rs1598209965, ClinGen allele CA915949553.